The following is an entry in ClinVar:

NM_001127644.2(GABRA1):c.197C>A (p.Thr66Asn)

Gene: GABRA1 (gamma-aminobutyric acid type A receptor subunit alpha1; plus strand). Cytogenetic location: 5q34.
Variant type: single nucleotide variant.
Coding change: c.197C>A on transcript NM_001127644.2 (MANE Select); coding-DNA position 197, C replaced by A.
Protein change: p.Thr66Asn; replaces threonine 66 with asparagine.
Molecular consequence: missense variant.
Genome position (GRCh38, 1-based): chr5:161,865,730, C>A. VCF-style: chr5-161865730-C-A. GRCh37 (hg19) VCF-style: chr5-161292736-C-A.
Other names: c.197C>A, p.Thr66Asn (NM_000806.5, NM_001127643.2, NM_001127645.2 and 1 more transcripts); short protein forms T66N.
Identifiers: ClinVar variation 1123486 (VCV001123486.11), dbSNP rs2113354062, ClinGen allele CA362178506.

ClinVar aggregate classification (germline): Conflicting classifications of pathogenicity. Review status: criteria provided, conflicting classifications (1 of 4 stars). 2 submissions from 2 submitters: Uncertain significance (1); Likely benign (1). Last evaluated 2024-08-16.

Conditions:
Idiopathic generalized epilepsy. Also called: Generalised epilepsy; EIG. Identifiers: MedGen C0270850, MONDO:0005579, OMIM 600669.
Epilepsy, idiopathic generalized, susceptibility to, 13. Also called: EPILEPSY, JUVENILE MYOCLONIC, SUSCEPTIBILITY TO, 5. Identifiers: Orphanet 307, Orphanet 64280, MedGen C4013473, MONDO:0012627, OMIM 611136.
Epilepsy, childhood absence 4 (ECA4). Also called: EPILEPSY, CHILDHOOD ABSENCE, SUSCEPTIBILITY TO, 4. Identifiers: Orphanet 307, MedGen C1970160.
Developmental and epileptic encephalopathy, 19 (DEE19). Also called: Epileptic encephalopathy, early infantile, 19. Identifiers: Orphanet 33069, MedGen C3810400, MONDO:0014328, OMIM 615744.

Submissions (2):

Institute of Human Genetics, University of Leipzig Medical Center
Classification: Uncertain significance for Developmental and epileptic encephalopathy, 19. Last evaluated: 2024-08-16. Review status: criteria provided, single submitter. Criteria: ACMG Guidelines, 2015. Collection method: clinical testing. Allele origin: unknown. Inheritance: Autosomal dominant inheritance. Affected: yes.
Comment: Criteria applied: PM2,PP2,PP3

Labcorp Genetics (formerly Invitae), Labcorp
Classification: Likely benign for Epilepsy, childhood absence 4; Epilepsy, idiopathic generalized, susceptibility to, 13; Idiopathic generalized epilepsy. Last evaluated: 2020-11-02. Review status: criteria provided, single submitter. Criteria: Invitae Variant Classification Sherloc (09022015). Collection method: clinical testing. Allele origin: germline.